The following is an entry in ClinVar:

ClinVar aggregate classification (germline): Benign. Review status: criteria provided, multiple submitters, no conflicts (2 of 4 stars). 9 submissions from 9 submitters: Benign (9). Last evaluated 2026-02-03.

Conditions:
Inborn genetic diseases. Identifiers: MedGen C0950123, MeSH D030342.
Early-infantile DEE. Also called: Ohtahara syndrome; Early infantile epileptic encephalopathy; Early infantile epileptic encephalopathy with suppression bursts. Identifiers: Orphanet 1934, MedGen C0393706, MONDO:0800491.
Early Myoclonic Encephalopathy. Identifiers: MedGen C0270855.

Allele frequency attached by ClinVar (database versions not stated): 1000 Genomes Project 0.03914; gnomAD 0.03987 and 0.03719; ESP Exome Variant Server 0.03999; gnomAD exomes 0.00369 and 0.00943; 1000 Genomes Project 30x 0.03982; TOPMed 0.04239; ExAC 0.01193.
gnomAD v4.1: 11,303 of 1,612,022 alleles (0.7%); highest among the groups gnomAD compares: African/African-American, 13%; 661 homozygotes.

Submissions (9):

Labcorp Genetics (formerly Invitae), Labcorp
Classification: Benign for Early-infantile DEE. Last evaluated: 2026-02-03. Review status: criteria provided, single submitter. Criteria: Invitae Variant Classification Sherloc (09022015). Collection method: clinical testing. Allele origin: germline.

Mayo Clinic Laboratories, Mayo Clinic
Classification: Benign. Last evaluated: 2022-12-18. Review status: criteria provided, single submitter. Criteria: ACMG Guidelines, 2015. Collection method: clinical testing. Allele origin: germline. Observed: 35 variant alleles.

Illumina Laboratory Services, Illumina
Classification: Benign for Developmental and epileptic encephalopathy, 3. Last evaluated: 2018-01-13. Review status: criteria provided, single submitter. Criteria: ICSL Variant Classification Criteria 13 December 2019. Collection method: clinical testing. Allele origin: germline.
Comment: This variant was observed in the ICSL laboratory as part of a predisposition screen in an ostensibly healthy population. It had not been previously curated by ICSL or reported in the Human Gene Mutation Database (HGMD: prior to June 1st, 2018), and was therefore a candidate for classification through an automated scoring system. Utilizing variant allele frequency, disease prevalence and penetrance estimates, and inheritance mode, an automated score was calculated to assess if this variant is too frequent to cause the disease. Based on the score and internal cut-off values, a variant classified as benign is not then subjected to further curation. The score for this variant resulted in a classification of benign for this disease.

Ambry Genetics
Classification: Benign for Inborn genetic diseases. Last evaluated: 2016-03-21. Review status: criteria provided, single submitter. Criteria: Ambry Variant Classification Scheme 2023. Collection method: clinical testing. Allele origin: germline.

GeneDx
Classification: Benign. Last evaluated: 2015-03-03. Review status: criteria provided, single submitter. Criteria: GeneDx Variant Classification Process June 2021. Collection method: clinical testing. Allele origin: germline. Affected: yes.

Eurofins Ntd Llc (ga)
Classification: Benign. Last evaluated: 2014-08-28. Review status: criteria provided, single submitter. Criteria: EGL Classification Definitions 2015. Collection method: clinical testing. Allele origin: germline. Observed: 2 variant alleles, 2 heterozygotes.

Genetic Services Laboratory, University of Chicago
Classification: Benign. Last evaluated: 2013-02-08. Review status: criteria provided, single submitter. Criteria: ACMG Guidelines, 2007. Collection method: clinical testing. Allele origin: germline. Inheritance: Autosomal recessive inheritance.

Breakthrough Genomics
Classification: Benign. Review status: criteria provided, single submitter. Criteria: ACMG Guidelines, 2015. Collection method: not provided. Allele origin: germline. Inheritance: Autosomal recessive inheritance. Affected: yes.

PreventionGenetics, part of Exact Sciences
Classification: Benign. Review status: criteria provided, single submitter. Criteria: ACMG Guidelines, 2015. Collection method: clinical testing. Allele origin: germline.

NM_001191061.2(SLC25A22):c.561C>T (p.Tyr187=)

Gene: SLC25A22 (solute carrier family 25 member 22; minus strand). Cytogenetic location: 11p15.5.
Variant type: single nucleotide variant.
Coding change: c.561C>T on transcript NM_001191061.2 (MANE Select); coding-DNA position 561, C replaced by T.
Protein change: p.Tyr187=; no amino-acid change (tyrosine 187 retained).
Molecular consequence: synonymous variant.
Genome position (GRCh38, 1-based): chr11:792,579, G>A on the plus strand (C>T on the coding strand, the complement: SLC25A22 is on the minus strand). VCF-style: chr11-792579-G-A. GRCh37 (hg19) VCF-style: chr11-792579-G-A.
Other names: p.Tyr187=; c.561C>T, p.Tyr187= (NM_001191060.2, NM_024698.6).
Identifiers: ClinVar variation 159917 (VCV000159917.31), dbSNP rs77117049, ClinGen allele CA173486.
Genomic context (GRCh38, chr11:792,579, plus strand): 5'-CCTTCCCTCCCCCCACCTGCCCTGTGCCTCCTACCTGAGCAGCGTGGCCCCGAGTCCCTT[G>A]TAGAGACCGGCAATGCCACGGCTCCGCAGCAGGTCGCGGGTCAGCTGGGTGGCCGTGGGC-3'
Protein context (NP_001177990.1, residues 177-197): LLRSRGIAGL[Tyr187=]KGLGATLLRD